The following is an entry in ClinVar:

ClinVar aggregate classification (germline): Uncertain significance (1 of 4 stars; one submission).

Conditions:
Gastrointestinal stromal tumor. Also called: Gastrointestinal stromal tumor, somatic; Gastrointestinal stroma tumor. Identifiers: Orphanet 44890, MedGen C0238198, MeSH D046152, MONDO:0011719, OMIM 606764, HP:0100723.

Submission:

Labcorp Genetics (formerly Invitae), Labcorp
Classification: Uncertain significance for Gastrointestinal stromal tumor. Last evaluated: 2019-11-14. Review status: criteria provided, single submitter. Criteria: Invitae Variant Classification Sherloc (09022015). Collection method: clinical testing. Allele origin: germline.
Comment: Algorithms developed to predict the effect of missense changes on protein structure and function (SIFT, PolyPhen-2, Align-GVGD) all suggest that this variant is likely to be disruptive, but these predictions have not been confirmed by published functional studies and their clinical significance is uncertain. In summary, the available evidence is currently insufficient to determine the role of this variant in disease. Therefore, it has been classified as a Variant of Uncertain Significance. This sequence change replaces aspartic acid with tyrosine at codon 733 of the PDGFRA protein (p.Asp733Tyr). The aspartic acid residue is highly conserved and there is a large physicochemical difference between aspartic acid and tyrosine. This variant is not present in population databases (ExAC no frequency). This variant has not been reported in the literature in individuals with PDGFRA-related conditions.

NM_006206.6(PDGFRA):c.2197G>T (p.Asp733Tyr)

Gene: PDGFRA (platelet derived growth factor receptor alpha; plus strand). Cytogenetic location: 4q12.
Variant type: single nucleotide variant.
Coding change: c.2197G>T on transcript NM_006206.6 (MANE Select); coding-DNA position 2197, G replaced by T.
Protein change: p.Asp733Tyr; replaces aspartic acid 733 with tyrosine.
Molecular consequence: missense variant.
Genome position (GRCh38, 1-based): chr4:54,280,356, G>T. VCF-style: chr4-54280356-G-T. GRCh37 (hg19) VCF-style: chr4-55146523-G-T.
Other names: c.2197G>T, p.Asp733Tyr (NM_001347827.2, NM_001347829.2); c.2272G>T, p.Asp758Tyr (NM_001347828.2); c.2236G>T, p.Asp746Tyr (NM_001347830.2); short protein forms D746Y, D758Y, D733Y.
Identifiers: ClinVar variation 971354 (VCV000971354.10), dbSNP rs1724003326, ClinGen allele CA356894282.